The following is an entry in ClinVar:

NM_004655.4(AXIN2):c.429_432delinsTATC (p.Ser143_Ile144=)

Gene: AXIN2 (axin 2; minus strand). Cytogenetic location: 17q24.1.
Variant type: Indel.
Coding change: c.429_432delinsTATC on transcript NM_004655.4 (MANE Select); coding-DNA positions 429 to 432, CATT replaced by TATC.
Protein change: p.Ser143_Ile144=.
Molecular consequence: synonymous variant.
Genome position (GRCh38, 1-based): chr17:65,558,189-65,558,192, AATG replaced by GATA on the plus strand (CATT replaced by TATC on the coding strand, the reverse complement: AXIN2 is on the minus strand). VCF-style: chr17-65558189-AATG-GATA. GRCh37 (hg19) VCF-style: chr17-63554307-AATG-GATA.
Other names: c.429_432delinsTATC, p.Ser143_Ile144= (NM_001363813.1).
Identifiers: ClinVar variation 3254313 (VCV003254313.1), dbSNP rs2544250963.

ClinVar aggregate classification (germline): Benign (1 of 4 stars; one submission).

Conditions:
Oligodontia-cancer predisposition syndrome. Also called: TOOTH AGENESIS-COLORECTAL CANCER SYNDROME. Identifiers: Orphanet 300576, MedGen C1837750, MONDO:0012075, OMIM 608615. Disease mechanism: loss of function.

Submission:

Myriad Genetics, Inc.
Classification: Benign for Oligodontia-cancer predisposition syndrome. Last evaluated: 2024-06-26. Review status: criteria provided, single submitter. Criteria: Myriad Autosomal Dominant, Autosomal Recessive and X-Linked Classification Criteria (2023). Collection method: clinical testing. Allele origin: unknown.
Comment: This variant is considered benign. This variant is a silent/synonymous amino acid change and it is not expected to impact splicing.